The following is an entry in ClinVar:

NM_001290060.2(SEMA3B):c.*8_*9del

Gene: SEMA3B (semaphorin 3B; plus strand). Cytogenetic location: 3p21.31.
Variant type: Deletion.
Coding change: c.*8_*9del on transcript NM_001290060.2 (MANE Select); 8 bases downstream of the stop codon through 9 bases downstream of the stop codon, 2 bases deleted (GT; older notation c.*8_*9delGT).
Molecular consequence: 3 prime UTR variant. On other transcripts: non-coding transcript variant (1).
Genome position (GRCh38, 1-based): chr3:50,276,714-50,276,715, GT deleted; deleting any 2 consecutive bases within chr3:50,276,713-50,276,715 gives the same sequence; the c. name uses the placement nearest the transcript's 3' end. VCF-style (leftmost placement, unchanged base first): chr3-50276712-CTG-C. GRCh37 (hg19) VCF-style: chr3-50314143-CTG-C.
Other names: c.*8_*9del (NM_001005914.3, NM_001290061.1, NM_001290062.2 and 2 more transcripts); c.*8_*9delGT (NM_001290061.1).
Identifiers: ClinVar variation 3353694 (VCV003353694.1).

ClinVar aggregate classification (germline): Likely benign (0 of 4 stars; one submission).

Conditions:
SEMA3B-related disorder. Also called: SEMA3B-related condition.

Submission:

PreventionGenetics, part of Exact Sciences
Classification: Likely benign for SEMA3B-related condition. Last evaluated: 2022-08-29. Review status: no assertion criteria provided. Collection method: clinical testing. Allele origin: germline.
Comment: This variant is classified as likely benign based on ACMG/AMP sequence variant interpretation guidelines (Richards et al. 2015 PMID: 25741868, with internal and published modifications).